The following is an entry in ClinVar:

ClinVar aggregate classification (germline): Conflicting classifications of pathogenicity. Review status: criteria provided, conflicting classifications (1 of 4 stars). 2 submissions from 2 submitters: Likely pathogenic (1); Uncertain significance (1). Last evaluated 2022-10-17.

Conditions:
SNRNP200-related disorder. Also called: SNRNP200-related condition.

Submissions (2):

Labcorp Genetics (formerly Invitae), Labcorp
Classification: Uncertain significance. Last evaluated: 2022-10-17. Review status: criteria provided, single submitter. Criteria: Invitae Variant Classification Sherloc (09022015). Collection method: clinical testing. Allele origin: germline.
Comment: This variant is not present in population databases (gnomAD no frequency). This missense change has been observed in individual(s) with retinitis pigmentosa (Invitae). ClinVar contains an entry for this variant (Variation ID: 866228). Algorithms developed to predict the effect of missense changes on protein structure and function are either unavailable or do not agree on the potential impact of this missense change (SIFT: "Deleterious"; PolyPhen-2: "Probably Damaging"; Align-GVGD: "Class C0"). In summary, the available evidence is currently insufficient to determine the role of this variant in disease. Therefore, it has been classified as a Variant of Uncertain Significance. This sequence change replaces glycine, which is neutral and non-polar, with cysteine, which is neutral and slightly polar, at codon 506 of the SNRNP200 protein (p.Gly506Cys).

Blueprint Genetics
Classification: Likely pathogenic for SNRNP200-related disorders. Last evaluated: 2021-05-12. Review status: criteria provided, single submitter. Criteria: ACMG Guidelines, 2015. Collection method: clinical testing. Allele origin: germline. Affected: yes. Observed: 2 variant alleles.

NM_014014.5(SNRNP200):c.1516G>T (p.Gly506Cys)

Gene: SNRNP200 (small nuclear ribonucleoprotein U5 subunit 200; minus strand). Cytogenetic location: 2q11.2.
Variant type: single nucleotide variant.
Coding change: c.1516G>T on transcript NM_014014.5 (MANE Select); coding-DNA position 1516, G replaced by T.
Protein change: p.Gly506Cys; replaces glycine 506 with cysteine.
Molecular consequence: missense variant.
Genome position (GRCh38, 1-based): chr2:96,296,691, C>A on the plus strand (G>T on the coding strand, the complement: SNRNP200 is on the minus strand). VCF-style: chr2-96296691-C-A. GRCh37 (hg19) VCF-style: chr2-96962429-C-A.
Other names: short protein forms G506C.
Identifiers: ClinVar variation 866228 (VCV000866228.10), dbSNP rs1487962974, ClinGen allele CA347682420.